The following is an entry in ClinVar:

ClinVar aggregate classification (germline): Uncertain significance (1 of 4 stars; one submission).

Submission:

GeneDx
Classification: Uncertain significance. Last evaluated: 2024-06-04. Review status: criteria provided, single submitter. Criteria: GeneDx Variant Classification Process June 2021. Collection method: clinical testing. Allele origin: germline. Affected: yes.
Comment: Not observed at significant frequency in large population cohorts (gnomAD); Missense variant in a gene in which most reported pathogenic variants are truncating/loss of function; Has not been previously published as pathogenic or benign to our knowledge

NM_001267550.2(TTN):c.56450T>C (p.Ile18817Thr)

Genes: TTN-AS1 (TTN antisense RNA 1; plus strand), TTN (titin; minus strand). Cytogenetic location: 2q31.2.
Variant type: single nucleotide variant.
Coding change: c.56450T>C on transcript NM_001267550.2 (MANE Select); coding-DNA position 56450, T replaced by C.
Protein change: p.Ile18817Thr; replaces isoleucine 18817 with threonine.
Molecular consequence: missense variant.
Genome position (GRCh38, 1-based): chr2:178,599,343, A>G on the plus strand (T>C on the coding strand, the complement: TTN is on the minus strand). VCF-style: chr2-178599343-A-G. GRCh37 (hg19) VCF-style: chr2-179464070-A-G.
Other names: c.51527T>C, p.Ile17176Thr (NM_001256850.1); c.29255T>C, p.Ile9752Thr (NM_003319.4); c.48746T>C, p.Ile16249Thr (NM_133378.4); c.29630T>C, p.Ile9877Thr (NM_133432.3); c.29831T>C, p.Ile9944Thr (NM_133437.4); short protein forms I16249T, I17176T, I18817T, I9752T, I9877T, I9944T.
Identifiers: ClinVar variation 3384464 (VCV003384464.1).